The following is an entry in ClinVar:

NM_012193.4(FZD4):c.1535T>C (p.Val512Ala)

Genes: FZD4 (frizzled class receptor 4; minus strand), PRSS23 (serine protease 23; plus strand). Cytogenetic location: 11q14.2.
Variant type: single nucleotide variant.
Coding change: c.1535T>C on transcript NM_012193.4 (MANE Select); coding-DNA position 1535, T replaced by C.
Protein change: p.Val512Ala; replaces valine 512 with alanine.
Molecular consequence: missense variant. On other transcripts: non-coding transcript variant (2).
Genome position (GRCh38, 1-based): chr11:86,951,221, A>G on the plus strand (T>C on the coding strand, the complement: FZD4 is on the minus strand). VCF-style: chr11-86951221-A-G. GRCh37 (hg19) VCF-style: chr11-86662263-A-G.
Other names: short protein forms V512A.
Identifiers: ClinVar variation 1720767 (VCV001720767.5), dbSNP rs747068280, ClinGen allele CA6218304.

ClinVar aggregate classification (germline): Uncertain significance (1 of 4 stars; one submission).

Allele frequency attached by ClinVar (database versions not stated): TOPMed below 0.00001; ExAC 0.00001; gnomAD 0.00001; gnomAD exomes 0.00001.
gnomAD v4.1: 6 of 1,613,852 alleles (0.00037%); highest among the groups gnomAD compares: East Asian, 0.0022%; no homozygotes.

Submission:

Labcorp Genetics (formerly Invitae), Labcorp
Classification: Uncertain significance. Last evaluated: 2023-06-15. Review status: criteria provided, single submitter. Criteria: Invitae Variant Classification Sherloc (09022015). Collection method: clinical testing. Allele origin: germline.
Comment: This sequence change replaces valine, which is neutral and non-polar, with alanine, which is neutral and non-polar, at codon 512 of the FZD4 protein (p.Val512Ala). This variant is present in population databases (rs747068280, gnomAD 0.0009%). In summary, the available evidence is currently insufficient to determine the role of this variant in disease. Therefore, it has been classified as a Variant of Uncertain Significance. Advanced modeling of protein sequence and biophysical properties (such as structural, functional, and spatial information, amino acid conservation, physicochemical variation, residue mobility, and thermodynamic stability) performed at Invitae indicates that this missense variant is not expected to disrupt FZD4 protein function. ClinVar contains an entry for this variant (Variation ID: 1720767). This variant has not been reported in the literature in individuals affected with FZD4-related conditions.